The following is an entry in ClinVar:

ClinVar aggregate classification (germline): Pathogenic (1 of 4 stars; one submission).

Conditions:
Fanconi anemia complementation group J. Also called: BRIP1-Related Fanconi Anemia. Identifiers: Orphanet 84, MedGen C1836860, MONDO:0012187, OMIM 609054.
Familial cancer of breast. Also called: BREAST CANCER, FAMILIAL; hereditary breast carcinoma; Hereditary breast cancer. Identifiers: Orphanet 227535, MedGen C0346153, MONDO:0016419, OMIM 114480. Disease mechanism: loss of function.

Submission:

Labcorp Genetics (formerly Invitae), Labcorp
Classification: Pathogenic for Familial cancer of breast; Fanconi anemia complementation group J. Last evaluated: 2021-08-02. Review status: criteria provided, single submitter. Criteria: Invitae Variant Classification Sherloc (09022015). Collection method: clinical testing. Allele origin: germline.
Comment: This variant is a gross deletion of the genomic region encompassing exon(s) 8-14 of the BRIP1 gene. This variant would be expected to be in-frame, preserving the integrity of the reading frame. This variant has not been reported in the literature in individuals affected with BRIP1-related conditions. This variant disrupts the conserved ATPase-Helicase domain, including the iron-sulfur (Fe-S) cluster of the BRIP1 protein, which is important for DNA helicase activity of BRIP1 (PMID: 11301010, 21345144, 33619228). While functional studies have not been performed to directly test the effect of this variant on BRIP1 protein function, this suggests that disruption of this region of the protein is causative of disease. This variant disrupts a region of the BRIP1 protein in which other variant(s) (p.Ala349Pro) have been determined to be pathogenic (PMID: 16116424, 16973432, 20639400, 24448499, 27107905). This suggests that this is a clinically significant region of the protein, and that variants that disrupt it are likely to be disease-causing. For these reasons, this variant has been classified as Pathogenic.

Literature cited by the submitters: PubMed 11301010; PubMed 21345144; PubMed 33619228; PubMed 16116424; PubMed 16973432; PubMed 20639400; PubMed 24448499; PubMed 27107905.

NC_000017.11:g.(?_61776395)_(61801480_?)del

Genes: BRIP1 (BRCA1 interacting DNA helicase 1; minus strand), LOC130061360 (ATAC-STARR-seq lymphoblastoid active region 12535; plus strand). Cytogenetic location: 17q23.2.
Variant type: Deletion.
Identifiers: ClinVar variation 530387 (VCV000530387.3).